The following is an entry in ClinVar:

NM_001372.4(DNAH9):c.2003G>A (p.Arg668Gln)

Gene: DNAH9 (dynein axonemal heavy chain 9; plus strand). Cytogenetic location: 17p12.
Variant type: single nucleotide variant.
Coding change: c.2003G>A on transcript NM_001372.4 (MANE Select); coding-DNA position 2003, G replaced by A.
Protein change: p.Arg668Gln; replaces arginine 668 with glutamine.
Molecular consequence: missense variant.
Genome position (GRCh38, 1-based): chr17:11,647,104, G>A. VCF-style: chr17-11647104-G-A. GRCh37 (hg19) VCF-style: chr17-11550421-G-A.
Other names: p.Arg668Gln; short protein forms R668Q.
Identifiers: ClinVar variation 779455 (VCV000779455.12), dbSNP rs146479561, ClinGen allele CA8395066.

ClinVar aggregate classification (germline): Benign/Likely benign. Review status: criteria provided, multiple submitters, no conflicts (2 of 4 stars). 4 submissions from 4 submitters: Benign (3); Likely benign (1). Last evaluated 2026-02-01.

Allele frequency attached by ClinVar (database versions not stated): 1000 Genomes Project 0.00519; 1000 Genomes Project 30x 0.00609; ExAC 0.00892; gnomAD exomes 0.00954; TOPMed 0.01042; ESP Exome Variant Server 0.01246.
gnomAD v4.1: 21,638 of 1,613,776 alleles (1.3%); highest among the groups gnomAD compares: Non-Finnish European, 1.6%; 180 homozygotes.

Submissions (4):

Labcorp Genetics (formerly Invitae), Labcorp
Classification: Benign. Last evaluated: 2026-02-01. Review status: criteria provided, single submitter. Criteria: Invitae Variant Classification Sherloc (09022015). Collection method: clinical testing. Allele origin: germline.

Blueprint Genetics
Classification: Likely benign. Last evaluated: 2024-11-26. Review status: criteria provided, single submitter. Criteria: ACMG Guidelines, 2015. Collection method: clinical testing. Allele origin: germline.

Mayo Clinic Laboratories, Mayo Clinic
Classification: Benign. Last evaluated: 2023-03-22. Review status: criteria provided, single submitter. Criteria: ACMG Guidelines, 2015. Collection method: clinical testing. Allele origin: germline. Observed: 7 variant alleles.
Comment: BS1, BS2, BP4

Breakthrough Genomics
Classification: Benign. Review status: criteria provided, single submitter. Criteria: ACMG Guidelines, 2015. Collection method: not provided. Allele origin: germline. Inheritance: Autosomal recessive inheritance. Affected: yes.